The following is an entry in ClinVar:

NM_000245.4(MET):c.353T>C (p.Met118Thr)

Gene: MET (MET proto-oncogene, receptor tyrosine kinase; plus strand). Cytogenetic location: 7q31.2.
Variant type: single nucleotide variant.
Coding change: c.353T>C on transcript NM_000245.4 (MANE Select); coding-DNA position 353, T replaced by C.
Protein change: p.Met118Thr; replaces methionine 118 with threonine.
Molecular consequence: missense variant. On other transcripts: intron variant (1).
Genome position (GRCh38, 1-based): chr7:116,699,437, T>C. VCF-style: chr7-116699437-T-C. GRCh37 (hg19) VCF-style: chr7-116339491-T-C.
Other names: c.353T>C, p.Met118Thr (NM_001127500.3, NM_001324401.3); c.-91+26860T>C (NM_001324402.2); short protein forms M118T.
Identifiers: ClinVar variation 2734773 (VCV002734773.3), dbSNP rs2116586678, ClinGen allele CA368968893.

ClinVar aggregate classification (germline): Uncertain significance (1 of 4 stars; one submission).

Conditions:
Renal cell carcinoma. Identifiers: Orphanet 217071, MedGen C0007134, MeSH D002292, MONDO:0005086, HP:0005584.

Submission:

Labcorp Genetics (formerly Invitae), Labcorp
Classification: Uncertain significance for Renal cell carcinoma. Last evaluated: 2023-07-03. Review status: criteria provided, single submitter. Criteria: Invitae Variant Classification Sherloc (09022015). Collection method: clinical testing. Allele origin: germline.
Comment: In summary, the available evidence is currently insufficient to determine the role of this variant in disease. Therefore, it has been classified as a Variant of Uncertain Significance. Advanced modeling of protein sequence and biophysical properties (such as structural, functional, and spatial information, amino acid conservation, physicochemical variation, residue mobility, and thermodynamic stability) has been performed at Invitae for this missense variant, however the output from this modeling did not meet the statistical confidence thresholds required to predict the impact of this variant on MET protein function. This variant has not been reported in the literature in individuals affected with MET-related conditions. This variant is not present in population databases (gnomAD no frequency). This sequence change replaces methionine, which is neutral and non-polar, with threonine, which is neutral and polar, at codon 118 of the MET protein (p.Met118Thr).